The following is an entry in ClinVar:

ClinVar aggregate classification (germline): Pathogenic (1 of 4 stars; one submission).

Submission:

Labcorp Genetics (formerly Invitae), Labcorp
Classification: Pathogenic. Last evaluated: 2019-12-28. Review status: criteria provided, single submitter. Criteria: Invitae Variant Classification Sherloc (09022015). Collection method: clinical testing. Allele origin: germline.
Comment: For these reasons, this variant has been classified as Pathogenic. Loss-of-function variants in PHEX are known to be pathogenic (PMID: 9097956, 9106524, 19219621). A different variant (c.750C>A) giving rise to the same protein effect observed here (p.Tyr250*) has been determined to be pathogenic (PMID: 9768674). This suggests that this variant is also likely to be causative of disease. This variant has been observed in individual(s) with clinical features of hypophosphatemia (Invitae). This variant is not present in population databases (ExAC no frequency). This sequence change creates a premature translational stop signal (p.Tyr250*) in the PHEX gene. It is expected to result in an absent or disrupted protein product.

Literature cited by the submitters: PubMed 9097956; PubMed 9106524; PubMed 19219621; PubMed 9768674.

NM_000444.6(PHEX):c.750del (p.Leu249_Tyr250insTer)

Gene: PHEX (phosphate regulating endopeptidase X-linked; plus strand). Cytogenetic location: Xp22.11.
Variant type: Deletion.
Coding change: c.750del on transcript NM_000444.6 (MANE Select); coding-DNA position 750, one base deleted (C; older notation c.750delC).
Protein change: p.Leu249_Tyr250insTer.
Molecular consequence: nonsense.
Genome position (GRCh38, 1-based): chrX:22,094,000, C deleted. VCF-style (leftmost placement, unchanged base first): chrX-22093999-AC-A. GRCh37 (hg19) VCF-style: chrX-22112117-AC-A.
Other names: c.750del, p.Leu249_Tyr250insTer (NM_001282754.2).
Identifiers: ClinVar variation 859909 (VCV000859909.10), dbSNP rs1930018183, ClinGen allele CA916083869.
Genomic context (GRCh38, chrX:22,093,999, plus strand): 5'-TAAGAAGCTATTGTCATGGTCACTTTGTTCTTTATTTCTTACAGTATCGGGATGCCCTTT[AC>A]AAGTTCATGGTGGATACTGCCGTGCTTTTAGGAGCTAACAGTTCCAGAGCAGAGCATGAC-3'